The following is an entry in ClinVar:

ClinVar aggregate classification (germline): Uncertain significance (1 of 4 stars; one submission).

Submission:

Geisinger Autism and Developmental Medicine Institute, Geisinger Health System
Classification: Uncertain significance. Last evaluated: 2018-01-23. Review status: criteria provided, single submitter. Criteria: ACMG Guidelines, 2015. Collection method: provider interpretation, clinical testing. Allele origin: maternal. Observed: 1 variant allele.
Comment: At the time of the lab report, no known human disorders had been clearly associated with this gene. There is only one published case study for TANC2, which proposed it as a candidate gene for the phenotype: speech and language disorder, motor skill impairment, and behavioral disturbances (Wessel et al., 2017). The individual in this publication had a duplication involving 16 genes, including TANC2. The p.F1782C variant is absent from gnomAD and the TANC2 gene is constrained for loss of function variation, but not for missense variation. Computational prediction models are inconsistent.

Literature cited by the submitters: PubMed 29070031.

NM_001394998.1(TANC2):c.5597T>G (p.Phe1866Cys)

Gene: TANC2 (tetratricopeptide repeat, ankyrin repeat and coiled-coil containing 2; plus strand). Cytogenetic location: 17q23.3.
Variant type: single nucleotide variant.
Coding change: c.5597T>G on transcript NM_001394998.1 (MANE Select); coding-DNA position 5597, T replaced by G.
Protein change: p.Phe1866Cys; replaces phenylalanine 1866 with cysteine.
Molecular consequence: missense variant.
Genome position (GRCh38, 1-based): chr17:63,421,327, T>G. VCF-style: chr17-63421327-T-G. GRCh37 (hg19) VCF-style: chr17-61498688-T-G.
Other names: c.5345T>G, p.Phe1782Cys (NM_025185.4); short protein forms F1782C, F1866C.
Identifiers: ClinVar variation 560263 (VCV000560263.4), dbSNP rs1568008510, ClinGen allele CA400546747.
Genomic context (GRCh38, chr17:63,421,327, plus strand): 5'-TCAAACCGCACCCGCCAACTCCCAGGCCGTTGCTGCATTCCCAAAGTGTAGGCCTTCGCT[T>G]CTCTCCATCTAGCAATAGTATCTCCTCCACCTCCAACCTAACTCCGACCTTCCGGCCATC-3'
Protein context (NP_001381927.1, residues 1856-1876): LLHSQSVGLR[Phe1866Cys]SPSSNSISST